The following is an entry in ClinVar:

NM_001193315.2(VIPAS39):c.1461G>A (p.Ser487=)

Gene: VIPAS39 (VPS33B interacting protein, apical-basolateral polarity regulator, spe-39 homolog; minus strand). Cytogenetic location: 14q24.3.
Variant type: single nucleotide variant.
Coding change: c.1461G>A on transcript NM_001193315.2 (MANE Select); coding-DNA position 1461, G replaced by A.
Protein change: p.Ser487=; no amino-acid change (serine 487 retained).
Molecular consequence: synonymous variant. On other transcripts: non-coding transcript variant (1), intron variant (1).
Genome position (GRCh38, 1-based): chr14:77,428,370, C>T on the plus strand (G>A on the coding strand, the complement: VIPAS39 is on the minus strand). VCF-style: chr14-77428370-C-T. GRCh37 (hg19) VCF-style: chr14-77894713-C-T.
Other names: c.1461G>A, p.Ser487= (NM_001193314.2, NM_001193317.2, NM_001400326.1 and 1 more transcripts); c.1314G>A, p.Ser438= (NM_001193316.2, NM_001400324.1, NM_001400325.1); c.1428G>A, p.Ser476= (NM_001400327.1); c.1374G>A, p.Ser458= (NM_001400330.1, NM_001400331.1, NM_001400332.1); c.1368G>A, p.Ser456= (NM_001400333.1, NM_001400334.1); c.1326G>A, p.Ser442= (NM_001400336.1); c.1221G>A, p.Ser407= (NM_001400337.1); c.1182G>A, p.Ser394= (NM_001400338.1); and 2 more.
Identifiers: ClinVar variation 1965294 (VCV001965294.4), dbSNP rs755331201, ClinGen allele CA7287707.

ClinVar aggregate classification (germline): Uncertain significance. Review status: criteria provided, multiple submitters, no conflicts (2 of 4 stars). 2 submissions from 2 submitters: Uncertain significance (2). Last evaluated 2025-05-19.

Allele frequency attached by ClinVar (database versions not stated): gnomAD 0.00001; gnomAD exomes 0.00001; TOPMed 0.00001; ExAC 0.00002.

Submissions (2):

Labcorp Genetics (formerly Invitae), Labcorp
Classification: Uncertain significance. Last evaluated: 2025-05-19. Review status: criteria provided, single submitter. Criteria: Invitae Variant Classification Sherloc (09022015). Collection method: clinical testing. Allele origin: germline.
Comment: This sequence change affects codon 487 of the VIPAS39 mRNA. It is a 'silent' change, meaning that it does not change the encoded amino acid sequence of the VIPAS39 protein. This variant also falls at the last nucleotide of exon 20, which is part of the consensus splice site for this exon. This variant is present in population databases (rs755331201, gnomAD 0.004%). This variant has not been reported in the literature in individuals affected with VIPAS39-related conditions. ClinVar contains an entry for this variant (Variation ID: 1965294). Variants that disrupt the consensus splice site are a relatively common cause of aberrant splicing (PMID: 17576681, 9536098). Algorithms developed to predict the effect of sequence changes on RNA splicing suggest that this variant may disrupt the consensus splice site. In summary, the available evidence is currently insufficient to determine the role of this variant in disease. Therefore, it has been classified as a Variant of Uncertain Significance.

Blueprint Genetics
Classification: Uncertain significance. Last evaluated: 2024-03-21. Review status: criteria provided, single submitter. Criteria: ACMG Guidelines, 2015. Collection method: clinical testing. Allele origin: germline.

Literature cited by the submitters: PubMed 17576681 (cited by Labcorp Genetics (formerly Invitae), Labcorp); PubMed 9536098 (cited by Labcorp Genetics (formerly Invitae), Labcorp).